The following is an entry in ClinVar:

ClinVar aggregate classification (germline): Uncertain significance. Review status: criteria provided, multiple submitters, no conflicts (2 of 4 stars). 2 submissions from 2 submitters: Uncertain significance (2). Last evaluated 2023-10-30.

Conditions:
Inborn genetic diseases. Identifiers: MedGen C0950123, MeSH D030342.

Allele frequency attached by ClinVar (database versions not stated): ExAC 0.00001.
gnomAD v4.1: 39 of 1,614,058 alleles (0.0024%); highest among the groups gnomAD compares: African/African-American, 0.004%; no homozygotes.

Submissions (2):

Ambry Genetics
Classification: Uncertain significance for Inborn genetic diseases. Last evaluated: 2023-10-30. Review status: criteria provided, single submitter. Criteria: Ambry Variant Classification Scheme 2023. Collection method: clinical testing. Allele origin: germline.

GeneDx
Classification: Uncertain significance. Last evaluated: 2023-06-13. Review status: criteria provided, single submitter. Criteria: GeneDx Variant Classification Process June 2021. Collection method: clinical testing. Allele origin: germline. Affected: yes.
Comment: In silico analysis supports that this missense variant does not alter protein structure/function; Has not been previously published as pathogenic or benign to our knowledge

NM_001326411.2(PISD):c.701C>T (p.Ala234Val)

Gene: PISD (phosphatidylserine decarboxylase; minus strand). Cytogenetic location: 22q12.2.
Variant type: single nucleotide variant.
Coding change: c.701C>T on transcript NM_001326411.2 (MANE Select); coding-DNA position 701, C replaced by T.
Protein change: p.Ala234Val; replaces alanine 234 with valine.
Molecular consequence: missense variant.
Genome position (GRCh38, 1-based): chr22:31,621,139, G>A on the plus strand (C>T on the coding strand, the complement: PISD is on the minus strand). VCF-style: chr22-31621139-G-A. GRCh37 (hg19) VCF-style: chr22-32017125-G-A.
Other names: c.638C>T, p.Ala213Val (NM_001326412.1, NM_001326413.2, NM_001326414.2); c.599C>T, p.Ala200Val (NM_001326415.2, NM_001326416.2, NM_001326417.2 and 3 more transcripts); c.521C>T, p.Ala174Val (NM_001326418.2, NM_001326420.2); c.701C>T, p.Ala234Val (NM_001326421.1); short protein forms A200V, A234V, A174V, A213V.
Identifiers: ClinVar variation 3213219 (VCV003213219.2), dbSNP rs760199435, ClinGen allele CA10194677.